The following is an entry in ClinVar:

NM_004820.5(CYP7B1):c.1438A>G (p.Ile480Val)

Gene: CYP7B1 (cytochrome P450 family 7 subfamily B member 1; minus strand). Cytogenetic location: 8q12.3.
Variant type: single nucleotide variant.
Coding change: c.1438A>G on transcript NM_004820.5 (MANE Select); coding-DNA position 1438, A replaced by G.
Protein change: p.Ile480Val; replaces isoleucine 480 with valine.
Molecular consequence: missense variant. On other transcripts: intron variant (1).
Genome position (GRCh38, 1-based): chr8:64,596,725, T>C on the plus strand (A>G on the coding strand, the complement: CYP7B1 is on the minus strand). VCF-style: chr8-64596725-T-C. GRCh37 (hg19) VCF-style: chr8-65509282-T-C.
Other names: c.1234-6881A>G (NM_001324112.2); short protein forms I480V.
Identifiers: ClinVar variation 1051718 (VCV001051718.7), dbSNP rs1185020031, ClinGen allele CA371333175.

ClinVar aggregate classification (germline): Uncertain significance (1 of 4 stars; one submission).

Conditions:
Spastic paraplegia. Identifiers: MedGen C0037772, HP:0001258.

Allele frequency attached by ClinVar (database versions not stated): gnomAD exomes below 0.00001; TOPMed 0.00001.
gnomAD v4.1: 2 of 1,613,926 alleles (0.00012%); highest among the groups gnomAD compares: Admixed American, 0.0017%; no homozygotes.

Submission:

Labcorp Genetics (formerly Invitae), Labcorp
Classification: Uncertain significance for Spastic paraplegia. Last evaluated: 2021-11-29. Review status: criteria provided, single submitter. Criteria: Invitae Variant Classification Sherloc (09022015). Collection method: clinical testing. Allele origin: germline.
Comment: In summary, the available evidence is currently insufficient to determine the role of this variant in disease. Therefore, it has been classified as a Variant of Uncertain Significance. Algorithms developed to predict the effect of sequence changes on RNA splicing suggest that this variant may create or strengthen a splice site. Algorithms developed to predict the effect of missense changes on protein structure and function output the following: SIFT: "Tolerated"; PolyPhen-2: "Benign"; Align-GVGD: "Class C0". The valine amino acid residue is found in multiple mammalian species, which suggests that this missense change does not adversely affect protein function. ClinVar contains an entry for this variant (Variation ID: 1051718). This variant has not been reported in the literature in individuals affected with CYP7B1-related conditions. This sequence change replaces isoleucine, which is neutral and non-polar, with valine, which is neutral and non-polar, at codon 480 of the CYP7B1 protein (p.Ile480Val). This variant is present in population databases (no rsID available, gnomAD 0.003%).